The following is an entry in ClinVar:

ClinVar aggregate classification (germline): Uncertain significance (1 of 4 stars; one submission).

Conditions:
Hereditary cancer-predisposing syndrome. Also called: Tumor predisposition; Hereditary neoplastic syndrome; Hereditary Cancer Syndrome; Neoplastic Syndromes, Hereditary. Identifiers: Orphanet 140162, MedGen C0027672, MeSH D009386, MONDO:0015356.

Allele frequency attached by ClinVar (database versions not stated): gnomAD exomes below 0.00001.
gnomAD v4.1: 1 of 1,614,214 alleles (0.000062%); highest among the groups gnomAD compares: South Asian, 0.0011%; no homozygotes.

Submission:

Ambry Genetics
Classification: Uncertain significance for Hereditary cancer-predisposing syndrome. Last evaluated: 2024-01-19. Review status: criteria provided, single submitter. Criteria: Ambry Variant Classification Scheme 2023. Collection method: clinical testing. Allele origin: germline.
Comment: The p.P1094S variant (also known as c.3280C>T), located in coding exon 20 of the ALK gene, results from a C to T substitution at nucleotide position 3280. The proline at codon 1094 is replaced by serine, an amino acid with similar properties. This amino acid position is conserved. In addition, this alteration is predicted to be deleterious by in silico analysis. Based on the available evidence, the clinical significance of this alteration remains unclear.

NM_004304.5(ALK):c.3280C>T (p.Pro1094Ser)

Gene: ALK (ALK receptor tyrosine kinase; minus strand). Cytogenetic location: 2p23.2.
Variant type: single nucleotide variant.
Coding change: c.3280C>T on transcript NM_004304.5 (MANE Select); coding-DNA position 3280, C replaced by T.
Protein change: p.Pro1094Ser; replaces proline 1094 with serine.
Molecular consequence: missense variant.
Genome position (GRCh38, 1-based): chr2:29,223,421, G>A on the plus strand (C>T on the coding strand, the complement: ALK is on the minus strand). VCF-style: chr2-29223421-G-A. GRCh37 (hg19) VCF-style: chr2-29446287-G-A.
Other names: c.76C>T, p.Pro26Ser (NM_001353765.2); short protein forms P1094S, P26S.
Identifiers: ClinVar variation 3223860 (VCV003223860.1), dbSNP rs2148170886, ClinGen allele CA346464952.
Genomic context (GRCh38, chr2:29,223,421, plus strand): 5'-TCCGCGGCACCTCCTTCAGGTCACTGATGGAGGAGGTCTTGCCAGCAAAGCAGTAGTTGG[G>A]GTTGTAGTCGGTCATGATGGTCGAGGTGCGGAGCTTGCTCAGCTTGTACTCAGGGCTCTG-3'
Protein context (NP_004295.2, residues 1084-1104): RTSTIMTDYN[Pro1094Ser]NYCFAGKTSS